The following is an entry in ClinVar:

NM_000075.4(CDK4):c.430G>A (p.Glu144Lys)

Gene: CDK4 (cyclin dependent kinase 4; minus strand). Cytogenetic location: 12q14.1.
Variant type: single nucleotide variant.
Coding change: c.430G>A on transcript NM_000075.4 (MANE Select); coding-DNA position 430, G replaced by A.
Protein change: p.Glu144Lys; replaces glutamic acid 144 with lysine.
Molecular consequence: missense variant.
Genome position (GRCh38, 1-based): chr12:57,751,015, C>T on the plus strand (G>A on the coding strand, the complement: CDK4 is on the minus strand). VCF-style: chr12-57751015-C-T. GRCh37 (hg19) VCF-style: chr12-58144798-C-T.
Other names: short protein forms E144K.
Identifiers: ClinVar variation 2012384 (VCV002012384.4), dbSNP rs2140386565, ClinGen allele CA385546581.

ClinVar aggregate classification (germline): Uncertain significance (1 of 4 stars; one submission).

Conditions:
Familial melanoma. Also called: Hereditary melanoma; Hereditary cutaneous melanoma. Identifiers: Orphanet 618, MedGen C1512419, MONDO:0018961.

Submission:

Labcorp Genetics (formerly Invitae), Labcorp
Classification: Uncertain significance for Familial melanoma. Last evaluated: 2022-06-30. Review status: criteria provided, single submitter. Criteria: Invitae Variant Classification Sherloc (09022015). Collection method: clinical testing. Allele origin: germline.
Comment: This sequence change replaces glutamic acid, which is acidic and polar, with lysine, which is basic and polar, at codon 144 of the CDK4 protein (p.Glu144Lys). This variant is not present in population databases (gnomAD no frequency). This variant has not been reported in the literature in individuals affected with CDK4-related conditions. Algorithms developed to predict the effect of missense changes on protein structure and function are either unavailable or do not agree on the potential impact of this missense change (SIFT: "Deleterious"; PolyPhen-2: "Benign"; Align-GVGD: "Class C0"). In summary, the available evidence is currently insufficient to determine the role of this variant in disease. Therefore, it has been classified as a Variant of Uncertain Significance.